The following is an entry in ClinVar:

NM_003002.4(SDHD):c.315-1697C>T

Gene: SDHD (succinate dehydrogenase complex subunit D; plus strand). Cytogenetic location: 11q23.1.
Variant type: single nucleotide variant.
Coding change: c.315-1697C>T on transcript NM_003002.4 (MANE Select); 1697 bases into the intron before coding-DNA position 315, C replaced by T.
Molecular consequence: intron variant. On other transcripts: missense variant (1).
Genome position (GRCh38, 1-based): chr11:112,093,108, C>T. VCF-style: chr11-112093108-C-T. GRCh37 (hg19) VCF-style: chr11-111963832-C-T.
Other names: c.343C>T, p.Arg115Trp (NM_001276506.2); c.170-1697C>T (NM_001276503.2); c.198-1697C>T (NM_001276504.2); short protein forms R115W.
Identifiers: ClinVar variation 3341862 (VCV003341862.16).

ClinVar aggregate classification (germline): Uncertain significance (1 of 4 stars; one submission).

Submission:

CeGaT Center for Human Genetics Tuebingen
Classification: Uncertain significance. Last evaluated: 2024-08-01. Review status: criteria provided, single submitter. Criteria: CeGaT Center For Human Genetics Tuebingen Variant Classification Criteria Version 2. Collection method: clinical testing. Allele origin: germline. Affected: yes. Observed: 1 variant allele.
Comment: SDHD: PP3